The following is an entry in ClinVar:

ClinVar aggregate classification (germline): Uncertain significance (1 of 4 stars; one submission).

Conditions:
Adult-onset proximal spinal muscular atrophy, autosomal dominant. Also called: FINKEL LATE-ADULT TYPE SMA; Spinal muscular atrophy, late-onset, finkel type. Identifiers: Orphanet 209335, MedGen C1854058, MONDO:0008453, OMIM 182980.
Amyotrophic lateral sclerosis type 8 (ALS8). Identifiers: Orphanet 803, MedGen C1837728, MONDO:0012077, OMIM 608627.

Submission:

Labcorp Genetics (formerly Invitae), Labcorp
Classification: Uncertain significance for Adult-onset proximal spinal muscular atrophy, autosomal dominant; Amyotrophic lateral sclerosis type 8. Last evaluated: 2024-09-06. Review status: criteria provided, single submitter. Criteria: Invitae Variant Classification Sherloc (09022015). Collection method: clinical testing. Allele origin: germline.
Comment: This sequence change replaces isoleucine, which is neutral and non-polar, with threonine, which is neutral and polar, at codon 241 of the VAPB protein (p.Ile241Thr). This variant is not present in population databases (gnomAD no frequency). This variant has not been reported in the literature in individuals affected with VAPB-related conditions. Invitae Evidence Modeling of protein sequence and biophysical properties (such as structural, functional, and spatial information, amino acid conservation, physicochemical variation, residue mobility, and thermodynamic stability) indicates that this missense variant is not expected to disrupt VAPB protein function with a negative predictive value of 80%. In summary, the available evidence is currently insufficient to determine the role of this variant in disease. Therefore, it has been classified as a Variant of Uncertain Significance.

NM_004738.5(VAPB):c.722T>C (p.Ile241Thr)

Gene: VAPB (VAMP associated protein B and C; plus strand). Cytogenetic location: 20q13.32.
Variant type: single nucleotide variant.
Coding change: c.722T>C on transcript NM_004738.5 (MANE Select); coding-DNA position 722, T replaced by C.
Protein change: p.Ile241Thr; replaces isoleucine 241 with threonine.
Molecular consequence: missense variant. On other transcripts: 3 prime UTR variant (1), non-coding transcript variant (1).
Genome position (GRCh38, 1-based): chr20:58,444,225, T>C. VCF-style: chr20-58444225-T-C. GRCh37 (hg19) VCF-style: chr20-57019281-T-C.
Other names: c.*60T>C (NM_001195677.2); short protein forms I241T.
Identifiers: ClinVar variation 3757305 (VCV003757305.2).